The following is an entry in ClinVar:

ClinVar aggregate classification (germline): Likely benign (1 of 4 stars; one submission).

Conditions:
MELAS syndrome (MELAS). Also called: Juvenile myopathy, encephalopathy, lactic acidosis, stroke. Identifiers: Orphanet 550, MedGen C0162671, MONDO:0010789, OMIM 540000.

Submission:

Wong Mito Lab, Molecular and Human Genetics, Baylor College of Medicine
Classification: Likely benign for MELAS syndrome. Last evaluated: 2019-07-12. Review status: criteria provided, single submitter. Criteria: Modified ACMG Guidelines (Unpublished). Collection method: clinical testing. Allele origin: germline.
Comment: The NC_012920.1:m.595C>A variant in MT-TF gene is interpreted to be a Likely Benign variant based on the modified ACMG guidelines (unpublished). This variant meets the following evidence codes reported in the guidelines: BS1, BP4

Literature cited by the submitters: PubMed 31965079.

NC_012920.1(MT-TF):m.595C>A

Gene: MT-TF (mitochondrially encoded tRNA phenylalanine; plus strand).
Variant type: single nucleotide variant.
Genome position: chrM-595-C-A.
Identifiers: ClinVar variation 689811 (VCV000689811.1), dbSNP rs1603218452, ClinGen allele CA913175556.